The following is an entry in ClinVar:

NM_001204.7(BMPR2):c.*378T>G

Gene: BMPR2 (bone morphogenetic protein receptor type 2; plus strand). Cytogenetic location: 2q33.2.
Variant type: single nucleotide variant.
Coding change: c.*378T>G on transcript NM_001204.7 (MANE Select); 378 bases downstream of the stop codon, T replaced by G.
Molecular consequence: 3 prime UTR variant.
Genome position (GRCh38, 1-based): chr2:202,560,324, T>G. VCF-style: chr2-202560324-T-G. GRCh37 (hg19) VCF-style: chr2-203425047-T-G.
Other names: c.*378T>G (LRG_712t1).
Identifiers: ClinVar variation 333660 (VCV000333660.5), dbSNP rs184723247, ClinGen allele CA10613909.

ClinVar aggregate classification (germline): Benign (1 of 4 stars; one submission).

Conditions:
Pulmonary hypertension, primary, 1 (PPH1). Also called: Pulmonary hypertension, familial primary, 1, with or without HHT. Identifiers: Orphanet 422, MedGen C4552070, MONDO:0024533, OMIM 178600.

Allele frequency attached by ClinVar (database versions not stated): gnomAD 0.00019 and 0.00026; gnomAD exomes 0.00016; 1000 Genomes Project 30x 0.00047; 1000 Genomes Project 0.00060; TOPMed 0.00057.
gnomAD v4.1: 52 of 238,610 alleles (0.022%); highest among the groups gnomAD compares: Admixed American, 0.068%; no homozygotes.

Submission:

Illumina Laboratory Services, Illumina
Classification: Benign for Pulmonary hypertension, primary, 1. Last evaluated: 2018-01-13. Review status: criteria provided, single submitter. Criteria: ICSL Variant Classification Criteria 13 December 2019. Collection method: clinical testing. Allele origin: germline.
Comment: This variant was observed in the ICSL laboratory as part of a predisposition screen in an ostensibly healthy population. It had not been previously curated by ICSL or reported in the Human Gene Mutation Database (HGMD: prior to June 1st, 2018), and was therefore a candidate for classification through an automated scoring system. Utilizing variant allele frequency, disease prevalence and penetrance estimates, and inheritance mode, an automated score was calculated to assess if this variant is too frequent to cause the disease. Based on the score and internal cut-off values, a variant classified as benign is not then subjected to further curation. The score for this variant resulted in a classification of benign for this disease.